The following is an entry in ClinVar:

NM_025081.3(NYNRIN):c.4014del (p.Val1339fs)

Gene: NYNRIN (NYN domain and retroviral integrase containing; plus strand). Cytogenetic location: 14q12.
Variant type: Deletion.
Coding change: c.4014del on transcript NM_025081.3 (MANE Select); coding-DNA position 4014, one base deleted (T; older notation c.4014delT).
Protein change: p.Val1339fs; shifts the reading frame from valine 1339.
Molecular consequence: frameshift variant.
Genome position (GRCh38, 1-based): chr14:24,415,763, T deleted. VCF-style (leftmost placement, unchanged base first): chr14-24415762-CT-C. GRCh37 (hg19) VCF-style: chr14-24884968-CT-C.
Other names: short protein forms V1339fs.
Identifiers: ClinVar variation 3377787 (VCV003377787.3).
Genomic context (GRCh38, chr14:24,415,762, plus strand): 5'-ACCGTGAGGATGAGTGGTGTGCTGGCTTTGGTCTCTATGTTCTATCGCCCACCAGCCCCC[CT>C]GTCTCCCTTTCCTTCTCCTGCTCCCCTTACACGCCAACCTATGCCCACCTGGCAGCCGTG-3'

ClinVar aggregate classification (germline): Uncertain significance. Review status: criteria provided, multiple submitters, no conflicts (2 of 4 stars). 2 submissions from 2 submitters: Uncertain significance (2). Last evaluated 2024-08-27.

Conditions:
Wilms Tumor Predisposition. Identifiers: MedGen CN381522.

Submissions (2):

Labcorp Genetics (formerly Invitae), Labcorp
Classification: Uncertain significance. Last evaluated: 2024-08-27. Review status: criteria provided, single submitter. Criteria: Invitae Variant Classification Sherloc (09022015). Collection method: clinical testing. Allele origin: germline.
Comment: This sequence change creates a premature translational stop signal (p.Val1339Serfs*101) in the NYNRIN gene. While this is not anticipated to result in nonsense mediated decay, it is expected to disrupt the last 560 amino acid(s) of the NYNRIN protein. This variant is present in population databases (rs762849855, gnomAD 0.01%). This variant has not been reported in the literature in individuals affected with NYNRIN-related conditions. Experimental studies and prediction algorithms are not available or were not evaluated, and the functional significance of this variant is currently unknown. In summary, the available evidence is currently insufficient to determine the role of this variant in disease. Therefore, it has been classified as a Variant of Uncertain Significance.

St. Jude Molecular Pathology, St. Jude Children's Research Hospital
Classification: Uncertain significance for Wilms tumor predisposition. Last evaluated: 2024-05-01. Review status: criteria provided, single submitter. Criteria: St. Jude Assertion Criteria 2020. Collection method: clinical testing. Allele origin: germline.
Comment: The NYNRIN c.4014del (p.Val1339SerfsTer101) change deletes one nucleotide to cause a frameshift and the creation of a premature stop codon. This variant is not predicted to result in nonsense mediated decay, however it removes greater than 10% of the NYNRIN protein. This variant has a maximum subpopulation frequency of 0.01% in gnomAD v2.1.1. To our knowledge, this variant has not been reported in individuals with Wilms tumor. In summary, the evidence currently available is insufficient to determine the clinical significance of this variant. It has therefore been classified as of uncertain significance.